The following is an entry in ClinVar:

ClinVar aggregate classification (germline): Likely benign. Review status: criteria provided, single submitter (1 of 4 stars). 2 submissions from 2 submitters: Likely benign (1). 1 of the submissions does not count toward it. Last evaluated 2024-08-12.

Conditions:
ABCC2-related disorder. Also called: ABCC2-related condition.

Allele frequency attached by ClinVar (database versions not stated): ExAC 0.00001; gnomAD 0.00001; gnomAD exomes 0.00002; TOPMed 0.00004.
gnomAD v4.1: 38 of 1,613,982 alleles (0.0024%); highest among the groups gnomAD compares: Admixed American, 0.0033%; no homozygotes.

Submissions (2):

Labcorp Genetics (formerly Invitae), Labcorp
Classification: Likely benign. Last evaluated: 2024-08-12. Review status: criteria provided, single submitter. Criteria: Invitae Variant Classification Sherloc (09022015). Collection method: clinical testing. Allele origin: germline.

PreventionGenetics, part of Exact Sciences
Classification: Likely benign for ABCC2-related condition. Last evaluated: 2024-03-07. Review status: no assertion criteria provided. Collection method: clinical testing. Allele origin: germline. Not counted in ClinVar's aggregate classification.
Comment: This variant is classified as likely benign based on ACMG/AMP sequence variant interpretation guidelines (Richards et al. 2015 PMID: 25741868, with internal and published modifications).

NM_000392.5(ABCC2):c.3255C>T (p.Ala1085=)

Gene: ABCC2 (ATP binding cassette subfamily C member 2; plus strand). Cytogenetic location: 10q24.2.
Variant type: single nucleotide variant.
Coding change: c.3255C>T on transcript NM_000392.5 (MANE Select); coding-DNA position 3255, C replaced by T.
Protein change: p.Ala1085=; no amino-acid change (alanine 1085 retained).
Molecular consequence: synonymous variant.
Genome position (GRCh38, 1-based): chr10:99,832,128, C>T. VCF-style: chr10-99832128-C-T. GRCh37 (hg19) VCF-style: chr10-101591885-C-T.
Other names: c.3255C>T (NM_000392.4).
Identifiers: ClinVar variation 3016219 (VCV003016219.4), dbSNP rs775651190, ClinGen allele CA5643728.
Genomic context (GRCh38, chr10:99,832,128, plus strand): 5'-TCGAGCACCTATGAGATTTTTTGACACAACACCCACAGGCCGGATTGTGAACAGGTTTGC[C>T]GGCGTAAGTATCTCAAGAACTGTCAGGTGGTGTGTTTATATACTGAGGATCTTTCTGATA-3'
Protein context (NP_000383.2, residues 1075-1095): TPTGRIVNRF[Ala1085=]GDISTVDDTL